The following is an entry in ClinVar:

ClinVar aggregate classification (germline): Uncertain significance. Review status: criteria provided, multiple submitters, no conflicts (2 of 4 stars). 2 submissions from 2 submitters: Uncertain significance (2). Last evaluated 2025-11-10.

Conditions:
Hereditary cancer-predisposing syndrome. Also called: Hereditary Cancer Syndrome; Neoplastic Syndromes, Hereditary; Tumor predisposition; Hereditary neoplastic syndrome. Identifiers: Orphanet 140162, MedGen C0027672, MeSH D009386, MONDO:0015356.
Ataxia-telangiectasia syndrome (AT). Also called: Cerebello-oculocutaneous telangiectasia; Immunodeficiency with ataxia telangiectasia; Ataxia-telangiectasia, complementation group E; Ataxia-telangiectasia, complementation group D; AT, COMPLEMENTATION GROUP C; ATAXIA-TELANGIECTASIA, COMPLEMENTATION GROUP A. Identifiers: Orphanet 100, MedGen C0004135, MONDO:0008840, OMIM 208900.

Allele frequency attached by ClinVar (database versions not stated): gnomAD exomes below 0.00001.
gnomAD v4.1: 2 of 1,614,206 alleles (0.00012%); highest among the groups gnomAD compares: Non-Finnish European, 0.00017%; no homozygotes.

Submissions (2):

Labcorp Genetics (formerly Invitae), Labcorp
Classification: Uncertain significance for Ataxia-telangiectasia syndrome. Last evaluated: 2025-11-10. Review status: criteria provided, single submitter. Criteria: Invitae Variant Classification Sherloc (09022015). Collection method: clinical testing. Allele origin: germline.
Comment: This sequence change replaces glutamic acid, which is acidic and polar, with glycine, which is neutral and non-polar, at codon 3015 of the ATM protein (p.Glu3015Gly). This variant is not present in population databases (gnomAD no frequency). This variant has not been reported in the literature in individuals affected with ATM-related conditions. ClinVar contains an entry for this variant (Variation ID: 581315). Invitae Evidence Modeling of protein sequence and biophysical properties (such as structural, functional, and spatial information, amino acid conservation, physicochemical variation, residue mobility, and thermodynamic stability) indicates that this missense variant is not expected to disrupt ATM protein function with a negative predictive value of 95%. In summary, the available evidence is currently insufficient to determine the role of this variant in disease. Therefore, it has been classified as a Variant of Uncertain Significance.

Ambry Genetics
Classification: Uncertain significance for Hereditary cancer-predisposing syndrome. Last evaluated: 2020-05-01. Review status: criteria provided, single submitter. Criteria: Ambry Variant Classification Scheme 2023. Collection method: clinical testing. Allele origin: germline.
Comment: The p.E3015G variant (also known as c.9044A>G), located in coding exon 62 of the ATM gene, results from an A to G substitution at nucleotide position 9044. The glutamic acid at codon 3015 is replaced by glycine, an amino acid with similar properties. This amino acid position is well conserved in available vertebrate species. In addition, this alteration is predicted to be tolerated by in silico analysis. Since supporting evidence is limited at this time, the clinical significance of this alteration remains unclear.

NM_000051.4(ATM):c.9044A>G (p.Glu3015Gly)

Genes: ATM (ATM serine/threonine kinase; plus strand), C11orf65 (chromosome 11 open reading frame 65; minus strand). Cytogenetic location: 11q22.3.
Variant type: single nucleotide variant.
Coding change: c.9044A>G on transcript NM_000051.4 (MANE Select); coding-DNA position 9044, A replaced by G.
Protein change: p.Glu3015Gly; replaces glutamic acid 3015 with glycine.
Molecular consequence: missense variant. On other transcripts: intron variant (2).
Genome position (GRCh38, 1-based): chr11:108,365,381, A>G. VCF-style: chr11-108365381-A-G. GRCh37 (hg19) VCF-style: chr11-108236108-A-G.
Other names: c.9044A>G, p.Glu3015Gly (NM_001351834.2); c.640+20539T>C (NM_001330368.2); c.694+20539T>C (NM_001351110.2); short protein forms E3015G.
Identifiers: ClinVar variation 581315 (VCV000581315.15), dbSNP rs1565609065, ClinGen allele CA382531409.